The following is an entry in ClinVar:

ClinVar aggregate classification (germline): Benign/Likely benign. Review status: criteria provided, multiple submitters, no conflicts (2 of 4 stars). 7 submissions from 7 submitters: Benign (2); Likely benign (4). 1 of the submissions does not count toward it. Last evaluated 2026-03-01.

Conditions:
OTOG-related disorder. Also called: OTOG-related condition.

Allele frequency attached by ClinVar (database versions not stated): gnomAD exomes 0.00038 and 0.00089; ExAC 0.00169; 1000 Genomes Project 0.00379; gnomAD 0.00425 and 0.00457; 1000 Genomes Project 30x 0.00437; TOPMed 0.00450.
gnomAD v4.1: 1,197 of 1,551,014 alleles (0.077%); highest among the groups gnomAD compares: African/African-American, 1.5%; 6 homozygotes.

Submissions (7):

CeGaT Center for Human Genetics Tuebingen
Classification: Likely benign. Last evaluated: 2026-03-01. Review status: criteria provided, single submitter. Criteria: CeGaT Center For Human Genetics Tuebingen Variant Classification Criteria Version 2. Collection method: clinical testing. Allele origin: germline. Affected: yes. Observed: 1 variant allele.
Comment: OTOG: BP4, BS1

Labcorp Genetics (formerly Invitae), Labcorp
Classification: Benign. Last evaluated: 2026-01-04. Review status: criteria provided, single submitter. Criteria: Invitae Variant Classification Sherloc (09022015). Collection method: clinical testing. Allele origin: germline.

Blueprint Genetics
Classification: Likely benign. Last evaluated: 2024-09-09. Review status: criteria provided, single submitter. Criteria: ACMG Guidelines, 2015. Collection method: clinical testing. Allele origin: germline.

GeneDx
Classification: Likely benign. Last evaluated: 2021-02-08. Review status: criteria provided, single submitter. Criteria: GeneDx Variant Classification Process June 2021. Collection method: clinical testing. Allele origin: germline. Affected: yes.

Laboratory for Molecular Medicine, Mass General Brigham Personalized Medicine
Classification: Benign. Last evaluated: 2016-10-13. Review status: criteria provided, single submitter. Criteria: LMM Criteria. Collection method: clinical testing. Allele origin: germline. Observed: 2 variant alleles.
Comment: p.Ile2361Val in exon 41 of OTOG: This variant is not expected to have clinical s ignificance because it has been identified in 2.1% (28/1338) of African chromoso mes by the Exome Aggregation Consortium (ExAC; d bSNP rs191722806).

Breakthrough Genomics
Classification: Likely benign. Review status: criteria provided, single submitter. Criteria: ACMG Guidelines, 2015. Collection method: not provided. Allele origin: germline. Inheritance: Autosomal recessive inheritance. Affected: yes.

PreventionGenetics, part of Exact Sciences
Classification: Benign for OTOG-related condition. Last evaluated: 2019-07-15. Review status: no assertion criteria provided. Collection method: clinical testing. Allele origin: germline. Not counted in ClinVar's aggregate classification.
Comment: This variant is classified as benign based on ACMG/AMP sequence variant interpretation guidelines (Richards et al. 2015 PMID: 25741868, with internal and published modifications).

NM_001292063.2(OTOG):c.7045A>G (p.Ile2349Val)

Gene: OTOG (otogelin; plus strand). Cytogenetic location: 11p15.1.
Variant type: single nucleotide variant.
Coding change: c.7045A>G on transcript NM_001292063.2 (MANE Select); coding-DNA position 7045, A replaced by G.
Protein change: p.Ile2349Val; replaces isoleucine 2349 with valine.
Molecular consequence: missense variant.
Genome position (GRCh38, 1-based): chr11:17,632,199, A>G. VCF-style: chr11-17632199-A-G. GRCh37 (hg19) VCF-style: chr11-17653746-A-G.
Other names: c.7081A>G, p.Ile2361Val (NM_001277269.2); short protein forms I2361V, I2349V.
Identifiers: ClinVar variation 450472 (VCV000450472.24), dbSNP rs191722806, ClinGen allele CA5906088.
Genomic context (GRCh38, chr11:17,632,199, plus strand): 5'-CAGCAGCCCTGCGTGGCCCTGACTGTGTACGTGGCCATGTGCCACAAATTTCATGTGTGC[A>G]TCGAGTGGCGGCGCTCTGACTACTGCCGTGAGTTTGCGGGGCAGGGGGACCCTCCATTGT-3'
Protein context (NP_001278992.1, residues 2339-2359): VAMCHKFHVC[Ile2349Val]EWRRSDYCPF